The following is an entry in ClinVar:

NM_001006658.3(CR2):c.1295G>C (p.Gly432Ala)

Gene: CR2 (complement C3d receptor 2; plus strand). Cytogenetic location: 1q32.2.
Variant type: single nucleotide variant.
Coding change: c.1295G>C on transcript NM_001006658.3 (MANE Select); coding-DNA position 1295, G replaced by C.
Protein change: p.Gly432Ala; replaces glycine 432 with alanine.
Molecular consequence: missense variant.
Genome position (GRCh38, 1-based): chr1:207,470,809, G>C. VCF-style: chr1-207470809-G-C. GRCh37 (hg19) VCF-style: chr1-207644154-G-C.
Other names: c.1295G>C, p.Gly432Ala (NM_001877.5); short protein forms G432A.
Identifiers: ClinVar variation 1495629 (VCV001495629.3), dbSNP rs781255614, ClinGen allele CA1368683.

ClinVar aggregate classification (germline): Uncertain significance (1 of 4 stars; one submission).

Conditions:
Immunodeficiency, common variable, 7. Identifiers: Orphanet 1572, Orphanet 696894, MedGen C3542922, MONDO:0013862, OMIM 614699.

gnomAD v4.1: 17 of 1,613,842 alleles (0.0011%); highest among the groups gnomAD compares: Admixed American, 0.028%; 1 homozygote.

Submission:

Labcorp Genetics (formerly Invitae), Labcorp
Classification: Uncertain significance for Immunodeficiency, common variable, 7. Last evaluated: 2022-09-07. Review status: criteria provided, single submitter. Criteria: Invitae Variant Classification Sherloc (09022015). Collection method: clinical testing. Allele origin: germline.
Comment: This sequence change replaces glycine, which is neutral and non-polar, with alanine, which is neutral and non-polar, at codon 432 of the CR2 protein (p.Gly432Ala). This variant is present in population databases (rs781255614, gnomAD 0.03%). This variant has not been reported in the literature in individuals affected with CR2-related conditions. ClinVar contains an entry for this variant (Variation ID: 1495629). Algorithms developed to predict the effect of missense changes on protein structure and function are either unavailable or do not agree on the potential impact of this missense change (SIFT: "Deleterious"; PolyPhen-2: "Probably Damaging"; Align-GVGD: "Class C0"). In summary, the available evidence is currently insufficient to determine the role of this variant in disease. Therefore, it has been classified as a Variant of Uncertain Significance.